The following is an entry in ClinVar:

NM_017950.4(CCDC40):c.1127C>G (p.Thr376Ser)

Gene: CCDC40 (coiled-coil domain 40 molecular ruler complex subunit; plus strand). Cytogenetic location: 17q25.3.
Variant type: single nucleotide variant.
Coding change: c.1127C>G on transcript NM_017950.4 (MANE Select); coding-DNA position 1127, C replaced by G.
Protein change: p.Thr376Ser; replaces threonine 376 with serine.
Molecular consequence: missense variant.
Genome position (GRCh38, 1-based): chr17:80,050,251, C>G. VCF-style: chr17-80050251-C-G. GRCh37 (hg19) VCF-style: chr17-78024050-C-G.
Other names: c.1127C>G, p.Thr376Ser (NM_001243342.2, NM_001330508.2); short protein forms T376S.
Identifiers: ClinVar variation 407775 (VCV000407775.8), dbSNP rs372392201, ClinGen allele CA8813690.

ClinVar aggregate classification (germline): Uncertain significance. Review status: criteria provided, multiple submitters, no conflicts (2 of 4 stars). 2 submissions from 2 submitters: Uncertain significance (2). Last evaluated 2025-06-20.

Conditions:
Primary ciliary dyskinesia. Also called: Ciliary dyskinesia. Identifiers: Orphanet 244, MedGen C0008780, MONDO:0016575, HP:0012265.

Allele frequency attached by ClinVar (database versions not stated): gnomAD 0.00006 and 0.00005; gnomAD exomes 0.00006; ExAC 0.00012; ESP Exome Variant Server 0.00016; TOPMed 0.00005.
gnomAD v4.1: 347 of 1,585,132 alleles (0.022%); highest among the groups gnomAD compares: Non-Finnish European, 0.029%; no homozygotes.

Submissions (2):

Ambry Genetics
Classification: Uncertain significance for Primary ciliary dyskinesia. Last evaluated: 2025-06-20. Review status: criteria provided, single submitter. Criteria: Ambry Variant Classification Scheme 2023. Collection method: clinical testing. Allele origin: germline.
Comment: The p.T376S variant (also known as c.1127C>G), located in coding exon 7 of the CCDC40 gene, results from a C to G substitution at nucleotide position 1127. The threonine at codon 376 is replaced by serine, an amino acid with similar properties. This amino acid position is conserved. In addition, this alteration is predicted to be tolerated by in silico analysis. Based on the available evidence, the clinical significance of this variant remains unclear.

Labcorp Genetics (formerly Invitae), Labcorp
Classification: Uncertain significance for Primary ciliary dyskinesia. Last evaluated: 2022-01-07. Review status: criteria provided, single submitter. Criteria: Invitae Variant Classification Sherloc (09022015). Collection method: clinical testing. Allele origin: germline.
Comment: This sequence change replaces threonine, which is neutral and polar, with serine, which is neutral and polar, at codon 376 of the CCDC40 protein (p.Thr376Ser). This variant is present in population databases (rs372392201, gnomAD 0.01%). This variant has not been reported in the literature in individuals affected with CCDC40-related conditions. ClinVar contains an entry for this variant (Variation ID: 407775). Algorithms developed to predict the effect of missense changes on protein structure and function (SIFT, PolyPhen-2, Align-GVGD) all suggest that this variant is likely to be tolerated. In summary, the available evidence is currently insufficient to determine the role of this variant in disease. Therefore, it has been classified as a Variant of Uncertain Significance.